The following is an entry in ClinVar:

ClinVar aggregate classification (germline): Likely pathogenic (1 of 4 stars; one submission).

Conditions:
Neurodevelopmental, jaw, eye, and digital syndrome (NEDJED). Identifiers: MedGen C5394477, MONDO:0030057, OMIM 618914.

Submission:

Centre de Génétique Humaine, Institut de Pathologie Et de Génétique
Classification: Likely pathogenic for Neurodevelopmental, jaw, eye, and digital syndrome. Last evaluated: 2023-12-29. Review status: criteria provided, single submitter. Criteria: ACMG Guidelines, 2015. Collection method: clinical testing. Allele origin: de novo. Inheritance: Autosomal dominant inheritance. Affected: yes. Observed: 1 heterozygote.
Comment: This missense variant is absent from gnomAD (v4.1). It affects a highly conserved amino acid from the WD40 repeat domain of the protein. In silico tools are in favor of a deleterious effect (CADD score 28.9). This variant was not detected in the leucocytes of the parents (parenthood confirmed by microsatellite analysis), likely de novo.

NM_001378974.1(FBXW11):c.794A>G (p.Tyr265Cys)

Gene: FBXW11 (F-box and WD repeat domain containing 11; minus strand). Cytogenetic location: 5q35.1.
Variant type: single nucleotide variant.
Coding change: c.794A>G on transcript NM_001378974.1 (MANE Select); coding-DNA position 794, A replaced by G.
Protein change: p.Tyr265Cys; replaces tyrosine 265 with cysteine.
Molecular consequence: missense variant.
Genome position (GRCh38, 1-based): chr5:171,891,525, T>C on the plus strand (A>G on the coding strand, the complement: FBXW11 is on the minus strand). VCF-style: chr5-171891525-T-C. GRCh37 (hg19) VCF-style: chr5-171318529-T-C.
Other names: c.629A>G, p.Tyr210Cys (NM_001378980.1, NM_033645.3); c.731A>G, p.Tyr244Cys (NM_012300.3); c.692A>G, p.Tyr231Cys (NM_033644.3); c.725A>G, p.Tyr242Cys (NM_001378975.1); c.698A>G, p.Tyr233Cys (NM_001378976.1); c.635A>G, p.Tyr212Cys (NM_001378977.1, NM_001378978.1, NM_001378979.1); short protein forms Y210C, Y212C, Y231C, Y233C, Y242C, Y244C, Y265C.
Identifiers: ClinVar variation 4686669 (VCV004686669.1).